The following is an entry in ClinVar:

NM_053025.4(MYLK):c.5055C>T (p.Phe1685=)

Genes: MYLK-AS1 (MYLK antisense RNA 1; plus strand), MYLK (myosin light chain kinase; minus strand), LOC126806791 (MED14-independent group 3 enhancer GRCh37_chr3:123347871-123349070; plus strand). Cytogenetic location: 3q21.1.
Variant type: single nucleotide variant.
Coding change: c.5055C>T on transcript NM_053025.4 (MANE Select); coding-DNA position 5055, C replaced by T.
Protein change: p.Phe1685=; no amino-acid change (phenylalanine 1685 retained).
Molecular consequence: synonymous variant. On other transcripts: non-coding transcript variant (2), intron variant (2).
Genome position (GRCh38, 1-based): chr3:123,629,533, G>A on the plus strand (C>T on the coding strand, the complement: MYLK is on the minus strand). VCF-style: chr3-123629533-G-A. GRCh37 (hg19) VCF-style: chr3-123348380-G-A.
Other names: c.4527C>T, p.Phe1509= (NM_001321309.2); c.4848C>T, p.Phe1616= (NM_053026.4); c.4755-2592C>T (NM_053028.4); c.4962-2592C>T (NM_053027.4).
Identifiers: ClinVar variation 389618 (VCV000389618.13), dbSNP rs148364244, ClinGen allele CA072446.

ClinVar aggregate classification (germline): Likely benign. Review status: criteria provided, multiple submitters, no conflicts (2 of 4 stars). 3 submissions from 3 submitters: Likely benign (3). Last evaluated 2025-12-01.

Conditions:
Familial thoracic aortic aneurysm and aortic dissection (TAAD). Also called: Thoracic aortic aneurysms and dissections. Identifiers: Orphanet 91387, MedGen C4707243, MONDO:0019625.
Aortic aneurysm, familial thoracic 7 (AAT7). Also called: AORTIC DISSECTION, FAMILIAL, WITH OR WITHOUT AORTIC ANEURYSM. Identifiers: MedGen C3151077, MONDO:0013418, OMIM 613780.

Allele frequency attached by ClinVar (database versions not stated): gnomAD exomes below 0.00001 and 0.00002; TOPMed below 0.00001; ExAC 0.00001; ESP Exome Variant Server 0.00008.
gnomAD v4.1: 15 of 1,614,164 alleles (0.00093%); highest among the groups gnomAD compares: Non-Finnish European, 0.0013%; no homozygotes.

Submissions (3):

Labcorp Genetics (formerly Invitae), Labcorp
Classification: Likely benign for Aortic aneurysm, familial thoracic 7. Last evaluated: 2025-12-01. Review status: criteria provided, single submitter. Criteria: Invitae Variant Classification Sherloc (09022015). Collection method: clinical testing. Allele origin: germline.

Ambry Genetics
Classification: Likely benign for Familial thoracic aortic aneurysm and aortic dissection. Last evaluated: 2020-04-06. Review status: criteria provided, single submitter. Criteria: Ambry Variant Classification Scheme 2023. Collection method: clinical testing. Allele origin: germline.

GeneDx
Classification: Likely benign. Last evaluated: 2017-10-17. Review status: criteria provided, single submitter. Criteria: GeneDx Variant Classification (06012015). Collection method: clinical testing. Allele origin: germline. Affected: yes.
Comment: This variant is considered likely benign or benign based on one or more of the following criteria: it is a conservative change, it occurs at a poorly conserved position in the protein, it is predicted to be benign by multiple in silico algorithms, and/or has population frequency not consistent with disease.